The following is an entry in ClinVar:

NM_133259.4(LRPPRC):c.1388A>G (p.Lys463Arg)

Gene: LRPPRC (leucine rich pentatricopeptide repeat containing; minus strand). Cytogenetic location: 2p21.
Variant type: single nucleotide variant.
Coding change: c.1388A>G on transcript NM_133259.4 (MANE Select); coding-DNA position 1388, A replaced by G.
Protein change: p.Lys463Arg; replaces lysine 463 with arginine.
Molecular consequence: missense variant.
Genome position (GRCh38, 1-based): chr2:43,963,688, T>C on the plus strand (A>G on the coding strand, the complement: LRPPRC is on the minus strand). VCF-style: chr2-43963688-T-C. GRCh37 (hg19) VCF-style: chr2-44190827-T-C.
Other names: short protein forms K463R.
Identifiers: ClinVar variation 1524223 (VCV001524223.6), dbSNP rs1572552953, ClinGen allele CA346679501.

ClinVar aggregate classification (germline): Uncertain significance (1 of 4 stars; one submission).

Allele frequency attached by ClinVar (database versions not stated): TOPMed below 0.00001.

Submission:

Labcorp Genetics (formerly Invitae), Labcorp
Classification: Uncertain significance. Last evaluated: 2022-07-12. Review status: criteria provided, single submitter. Criteria: Invitae Variant Classification Sherloc (09022015). Collection method: clinical testing. Allele origin: germline.
Comment: This sequence change replaces lysine, which is basic and polar, with arginine, which is basic and polar, at codon 463 of the LRPPRC protein (p.Lys463Arg). This variant is not present in population databases (gnomAD no frequency). In summary, the available evidence is currently insufficient to determine the role of this variant in disease. Therefore, it has been classified as a Variant of Uncertain Significance. Algorithms developed to predict the effect of sequence changes on RNA splicing suggest that this variant may create or strengthen a splice site. Algorithms developed to predict the effect of missense changes on protein structure and function (SIFT, PolyPhen-2, Align-GVGD) all suggest that this variant is likely to be tolerated. ClinVar contains an entry for this variant (Variation ID: 1524223). This variant has not been reported in the literature in individuals affected with LRPPRC-related conditions.